The following is an entry in ClinVar:

NM_005909.5(MAP1B):c.986C>T (p.Ala329Val)

Gene: MAP1B (microtubule associated protein 1B; plus strand). Cytogenetic location: 5q13.2.
Variant type: single nucleotide variant.
Coding change: c.986C>T on transcript NM_005909.5 (MANE Select); coding-DNA position 986, C replaced by T.
Protein change: p.Ala329Val; replaces alanine 329 with valine.
Molecular consequence: missense variant.
Genome position (GRCh38, 1-based): chr5:72,194,341, C>T. VCF-style: chr5-72194341-C-T. GRCh37 (hg19) VCF-style: chr5-71490168-C-T.
Other names: c.608C>T, p.Ala203Val (NM_001324255.2); short protein forms A203V, A329V.
Identifiers: ClinVar variation 3390797 (VCV003390797.2).

ClinVar aggregate classification (germline): Uncertain significance (1 of 4 stars; one submission).

Submission:

GeneDx
Classification: Uncertain significance. Last evaluated: 2026-07-28. Review status: criteria provided, single submitter. Criteria: GeneDx Variant Classification Process June 2021. Collection method: clinical testing. Allele origin: germline.
Comment: Not observed at significant frequency in large population cohorts (gnomAD); In silico analysis supports that this missense variant has a deleterious effect on protein structure/function; Has not been previously published as pathogenic or benign to our knowledge